The following is an entry in ClinVar:

ClinVar aggregate classification (germline): Uncertain significance (1 of 4 stars; one submission).

Conditions:
Hereditary cancer-predisposing syndrome. Also called: Hereditary neoplastic syndrome; Tumor predisposition; Hereditary Cancer Syndrome; Neoplastic Syndromes, Hereditary. Identifiers: Orphanet 140162, MedGen C0027672, MeSH D009386, MONDO:0015356.

Submission:

Ambry Genetics
Classification: Uncertain significance for Hereditary cancer-predisposing syndrome. Last evaluated: 2023-08-08. Review status: criteria provided, single submitter. Criteria: Ambry Variant Classification Scheme 2023. Collection method: clinical testing. Allele origin: germline.
Comment: The c.622_624delGAC variant (also known as p.D208del) is located in coding exon 5 of the STK11 gene. This variant results from an in-frame GAC deletion at nucleotide positions 622 to 624. This results in the in-frame deletion of an aspartic acid at codon 208. This amino acid position is highly conserved in available vertebrate species. In addition, this alteration is predicted to be deleterious by in silico analysis (Choi Y et al. PLoS ONE. 2012; 7(10):e46688). Since supporting evidence is limited at this time, the clinical significance of this alteration remains unclear.

NM_000455.5(STK11):c.619GAC[1] (p.Asp208del)

Gene: STK11 (serine/threonine kinase 11; plus strand). Cytogenetic location: 19p13.3.
Variant type: Microsatellite.
Coding change: c.619GAC[1] on transcript NM_000455.5 (MANE Select); one copy of the 3-base unit GAC starting at c.619; the reference has two copies in a row; one copy, 3 bases deleted.
Protein change: p.Asp208del; deletes aspartic acid 208.
Molecular consequence: inframe deletion. On other transcripts: inframe indel (2), non-coding transcript variant (1).
Genome position (GRCh38, 1-based): chr19:1,220,605-1,220,607, GAC deleted; deleting any 3 consecutive bases within chr19:1,220,602-1,220,607 gives the same sequence; the position shown is the placement nearest the transcript's 3' end. VCF-style (leftmost placement, unchanged base first): chr19-1220601-GGAC-G. GRCh37 (hg19) VCF-style: chr19-1220600-GGAC-G.
Other names: c.619_621GAC[1], p.Asp208del (NM_000455.4); c.619GAC[1], p.Asp208del (NM_001407255.1); c.622_624delGAC (NM_000455.4); short protein forms D208del.
Identifiers: ClinVar variation 2586606 (VCV002586606.2), dbSNP rs2512943382, ClinGen allele CA2582342345.